The following is an entry in ClinVar:

NM_000238.4(KCNH2):c.3185C>T (p.Thr1062Ile)

Gene: KCNH2 (potassium voltage-gated channel subfamily H member 2; minus strand). Cytogenetic location: 7q36.1.
Variant type: single nucleotide variant.
Coding change: c.3185C>T on transcript NM_000238.4 (MANE Select); coding-DNA position 3185, C replaced by T.
Protein change: p.Thr1062Ile; replaces threonine 1062 with isoleucine.
Molecular consequence: missense variant.
Genome position (GRCh38, 1-based): chr7:150,947,022, G>A on the plus strand (C>T on the coding strand, the complement: KCNH2 is on the minus strand). VCF-style: chr7-150947022-G-A. GRCh37 (hg19) VCF-style: chr7-150644110-G-A.
Other names: c.2165C>T, p.Thr722Ile (NM_172057.3); short protein forms T1062I, T722I.
Identifiers: ClinVar variation 586073 (VCV000586073.9), dbSNP rs761811244, ClinGen allele CA037772.

ClinVar aggregate classification (germline): Uncertain significance. Review status: criteria provided, multiple submitters, no conflicts (2 of 4 stars). 3 submissions from 3 submitters: Uncertain significance (3). Last evaluated 2024-07-09.

Conditions:
Long QT syndrome (LQTS). Identifiers: MedGen C0023976, MeSH D008133, MONDO:0002442. Disease mechanism: loss of function. Inheritance: Various modes of inheritance.
Cardiac arrhythmia. Also called: Cardiac rhythm disease; Arrhythmia. Identifiers: MedGen C0003811, MONDO:0007263, HP:0011675.

Allele frequency attached by ClinVar (database versions not stated): gnomAD exomes below 0.00001; ExAC 0.00001.

Submissions (3):

Color Diagnostics, LLC DBA Color Health
Classification: Uncertain significance for Cardiac arrhythmia. Last evaluated: 2024-07-09. Review status: criteria provided, single submitter. Criteria: ACMG Guidelines, 2015. Collection method: clinical testing. Allele origin: germline.
Comment: This missense variant replaces threonine with isoleucine at codon 1062 of the KCNH2 protein. Computational prediction is inconclusive regarding the impact of this variant on protein structure and function (internally defined REVEL score threshold 0.5 < inconclusive < 0.7, PMID: 27666373). To our knowledge, functional studies have not been reported for this variant. This variant has been reported in individual(s) affected with long QT syndrome (PMID: 18675227, 32893267). This variant has been identified in 1/248948 chromosomes in the general population by the Genome Aggregation Database (gnomAD). The available evidence is insufficient to determine the role of this variant in disease conclusively. Therefore, this variant is classified as a Variant of Uncertain Significance.

Labcorp Genetics (formerly Invitae), Labcorp
Classification: Uncertain significance for Long QT syndrome. Last evaluated: 2022-10-17. Review status: criteria provided, single submitter. Criteria: Invitae Variant Classification Sherloc (09022015). Collection method: clinical testing. Allele origin: germline.
Comment: This sequence change replaces threonine, which is neutral and polar, with isoleucine, which is neutral and non-polar, at codon 1062 of the KCNH2 protein (p.Thr1062Ile). This variant is present in population databases (rs761811244, gnomAD 0.0009%). This missense change has been observed in individual(s) with long QT syndrome (PMID: 18675227). ClinVar contains an entry for this variant (Variation ID: 586073). Algorithms developed to predict the effect of missense changes on protein structure and function are either unavailable or do not agree on the potential impact of this missense change (SIFT: "Deleterious"; PolyPhen-2: "Benign"; Align-GVGD: "Class C0"). Algorithms developed to predict the effect of sequence changes on RNA splicing suggest that this variant may create or strengthen a splice site. In summary, the available evidence is currently insufficient to determine the role of this variant in disease. Therefore, it has been classified as a Variant of Uncertain Significance.

Athena Diagnostics
Classification: Uncertain significance. Last evaluated: 2018-07-10. Review status: criteria provided, single submitter. Criteria: Athena Diagnostics Criteria. Collection method: clinical testing. Allele origin: germline.

Literature cited by the submitters: PubMed 18675227 (cited by 3 submitters); PubMed 32893267 (cited by Color Diagnostics, LLC DBA Color Health).